The following is an entry in ClinVar:

NM_000214.3(JAG1):c.647del (p.Gly216fs)

Gene: JAG1 (jagged canonical Notch ligand 1; minus strand). Cytogenetic location: 20p12.2.
Variant type: Deletion.
Coding change: c.647del on transcript NM_000214.3 (MANE Select); coding-DNA position 647, one base deleted (G; older notation c.647delG).
Protein change: p.Gly216fs; shifts the reading frame from glycine 216.
Molecular consequence: frameshift variant.
Genome position (GRCh38, 1-based): chr20:10,658,515, C deleted on the plus strand (G on the coding strand, the reverse complement: JAG1 is on the minus strand); the first of 2 consecutive C bases (chr20:10,658,515-10,658,516); deleting either gives the same sequence. VCF-style (leftmost placement, unchanged base first): chr20-10658514-GC-G. GRCh37 (hg19) VCF-style: chr20-10639162-GC-G.
Other names: short protein forms G216fs.
Identifiers: ClinVar variation 1705304 (VCV001705304.2), dbSNP rs2514526460, ClinGen allele CA2580097941.

ClinVar aggregate classification (germline): Pathogenic (1 of 4 stars; one submission).

Conditions:
Alagille syndrome due to a JAG1 point mutation. Also called: HEPATIC DUCTULAR HYPOPLASIA, SYNDROMATIC; Alagille Syndrome 1; JAG1-Related Alagille Syndrome. Identifiers: Orphanet 261619, Orphanet 52, MedGen C1956125, MONDO:0016862, OMIM 118450.

Submission:

3billion
Classification: Pathogenic for Alagille syndrome due to a JAG1 point mutation. Last evaluated: 2025-07-25. Review status: criteria provided, single submitter. Criteria: ACMG Guidelines, 2015. Collection method: clinical testing. Allele origin: germline. Affected: yes.
Comment: The variant is not observed in the gnomAD v4.1.0 dataset. Predicted Consequence/Location: Frameshift: predicted to result in a loss or disruption of normal protein function through nonsense-mediated decay (NMD) or protein truncation. Multiple pathogenic variants are reported downstream of the variant. The variant has been reported to be associated with JAG1-related disorder (ClinVar ID: VCV001705304 /3billion dataset). Therefore, this variant is classified as Pathogenic according to the recommendation of ACMG/AMP guideline.